The following is an entry in ClinVar:

NM_000455.5(STK11):c.469T>G (p.Phe157Val)

Gene: STK11 (serine/threonine kinase 11; plus strand). Cytogenetic location: 19p13.3.
Variant type: single nucleotide variant.
Coding change: c.469T>G on transcript NM_000455.5 (MANE Select); coding-DNA position 469, T replaced by G.
Protein change: p.Phe157Val; replaces phenylalanine 157 with valine.
Molecular consequence: missense variant. On other transcripts: non-coding transcript variant (1).
Genome position (GRCh38, 1-based): chr19:1,220,377, T>G. VCF-style: chr19-1220377-T-G. GRCh37 (hg19) VCF-style: chr19-1220376-T-G.
Other names: c.469T>G, p.Phe157Val (NM_001407255.1); short protein forms F157V.
Identifiers: ClinVar variation 2746064 (VCV002746064.4), dbSNP rs2512942488, ClinGen allele CA402948785.

ClinVar aggregate classification (germline): Uncertain significance. Review status: criteria provided, multiple submitters, no conflicts (2 of 4 stars). 2 submissions from 2 submitters: Uncertain significance (2). Last evaluated 2025-05-07.

Conditions:
Peutz-Jeghers syndrome (PJS). Also called: Peutz-Jeghers polyposis; Periorificial lentiginosis syndrome; POLYPOSIS, HAMARTOMATOUS INTESTINAL; POLYPS-AND-SPOTS SYNDROME. Identifiers: Orphanet 2869, MedGen C0031269, MeSH D010580, MONDO:0008280, OMIM 175200.

Submissions (2):

ARUP Laboratories, Molecular Genetics and Genomics, ARUP Laboratories
Classification: Uncertain significance. Last evaluated: 2025-05-07. Review status: criteria provided, single submitter. Criteria: ARUP Molecular Germline Variant Investigation Process 2024. Collection method: clinical testing. Allele origin: germline.
Comment: The STK11 c.469T>G; p.Phe157Val variant, to our knowledge, is not reported in the medical literature but is reported in ClinVar (Variation ID: 2746064). This variant is also absent from the Genome Aggregation Database (v2.1.1), indicating it is not a common polymorphism. Computational analyses predict that this variant is deleterious (REVEL: 0.793). Due to limited information, the clinical significance of this variant is uncertain at this time.

Labcorp Genetics (formerly Invitae), Labcorp
Classification: Uncertain significance for Peutz-Jeghers syndrome. Last evaluated: 2023-07-27. Review status: criteria provided, single submitter. Criteria: Invitae Variant Classification Sherloc (09022015). Collection method: clinical testing. Allele origin: germline.
Comment: This sequence change replaces phenylalanine, which is neutral and non-polar, with valine, which is neutral and non-polar, at codon 157 of the STK11 protein (p.Phe157Val). This variant is not present in population databases (gnomAD no frequency). This variant has not been reported in the literature in individuals affected with STK11-related conditions. Advanced modeling of protein sequence and biophysical properties (such as structural, functional, and spatial information, amino acid conservation, physicochemical variation, residue mobility, and thermodynamic stability) performed at Invitae indicates that this missense variant is expected to disrupt STK11 protein function. In summary, the available evidence is currently insufficient to determine the role of this variant in disease. Therefore, it has been classified as a Variant of Uncertain Significance.